The following is an entry in ClinVar:

ClinVar aggregate classification (germline): Likely pathogenic (1 of 4 stars; one submission).

Conditions:
Hereditary breast ovarian cancer syndrome. Also called: Hereditary breast and ovarian cancer syndrome; BRCA1- and BRCA2-Associated Hereditary Breast and Ovarian Cancer; Hereditary breast and ovarian cancer; Hereditary breast and ovarian cancer syndrome (HBOC); Breast and ovarian cancer; Hereditary breast and/or ovarian cancer syndrome. Identifiers: Orphanet 145, MedGen C0677776, MeSH D061325, MONDO:0003582. Disease mechanism: loss of function.

Submission:

Genetics and Personalized Medicine Clinic, Tartu University Hospital
Classification: Likely pathogenic for Hereditary breast ovarian cancer syndrome. Last evaluated: 2021-10-15. Review status: criteria provided, single submitter. Criteria: ACMG Guidelines, 2015. Collection method: clinical testing. Allele origin: germline. Affected: yes. Observed: 1 variant allele.
Comment: This duplication likely disrupts the BRCA1 gene, causing abnormal gene function. Loss-of-function variants in BRCA1 are a recognized cause of hereditary breast and ovarian cancer, and large exon-spanning duplications are generally classified as pathogenic under ACMG criteria.

NC_000017.10:g.(?_41209068)_(41228632_?)dup

Gene: BRCA1 (BRCA1 DNA repair associated; minus strand). Cytogenetic location: 17q21.31.
Variant type: Duplication.
Identifiers: ClinVar variation 4526423 (VCV004526423.1).